The following is an entry in ClinVar:

NM_001243133.2(NLRP3):c.2945T>G (p.Leu982Arg)

Gene: NLRP3 (NLR family pyrin domain containing 3; plus strand). Cytogenetic location: 1q44.
Variant type: single nucleotide variant.
Coding change: c.2945T>G on transcript NM_001243133.2 (MANE Select); coding-DNA position 2945, T replaced by G.
Protein change: p.Leu982Arg; replaces leucine 982 with arginine.
Molecular consequence: missense variant.
Genome position (GRCh38, 1-based): chr1:247,444,761, T>G. VCF-style: chr1-247444761-T-G. GRCh37 (hg19) VCF-style: chr1-247608063-T-G.
Other names: c.2945T>G, p.Leu982Arg (NM_001079821.3); c.2774T>G, p.Leu925Arg (NM_001127461.3, NM_001127462.3); c.2951T>G, p.Leu984Arg (NM_004895.5); c.2603T>G, p.Leu868Arg (NM_183395.3); short protein forms L925R, L982R, L868R, L984R.
Identifiers: ClinVar variation 2869891 (VCV002869891.3), dbSNP rs1664481743, ClinGen allele CA345565717.

ClinVar aggregate classification (germline): Uncertain significance (1 of 4 stars; one submission).

Conditions:
Cryopyrin associated periodic syndrome (CAPS). Identifiers: Orphanet 208650, MedGen C2316212, MONDO:0016168.

Submission:

Labcorp Genetics (formerly Invitae), Labcorp
Classification: Uncertain significance for Cryopyrin associated periodic syndrome. Last evaluated: 2023-06-02. Review status: criteria provided, single submitter. Criteria: Invitae Variant Classification Sherloc (09022015). Collection method: clinical testing. Allele origin: germline.
Comment: In summary, the available evidence is currently insufficient to determine the role of this variant in disease. Therefore, it has been classified as a Variant of Uncertain Significance. This sequence change replaces leucine, which is neutral and non-polar, with arginine, which is basic and polar, at codon 984 of the NLRP3 protein (p.Leu984Arg). This variant is not present in population databases (gnomAD no frequency). This variant has not been reported in the literature in individuals affected with NLRP3-related conditions. Advanced modeling of protein sequence and biophysical properties (such as structural, functional, and spatial information, amino acid conservation, physicochemical variation, residue mobility, and thermodynamic stability) performed at Invitae indicates that this missense variant is not expected to disrupt NLRP3 protein function.